The following is an entry in ClinVar:

NM_018426.3(TMEM63B):c.262C>A (p.Arg88=)

Gene: TMEM63B (transmembrane protein 63B; plus strand). Cytogenetic location: 6p21.1.
Variant type: single nucleotide variant.
Coding change: c.262C>A on transcript NM_018426.3 (MANE Select); coding-DNA position 262, C replaced by A.
Protein change: p.Arg88=; no amino-acid change (arginine 88 retained).
Molecular consequence: synonymous variant.
Genome position (GRCh38, 1-based): chr6:44,135,350, C>A. VCF-style: chr6-44135350-C-A. GRCh37 (hg19) VCF-style: chr6-44103087-C-A.
Other names: c.262C>A, p.Arg88= (NM_001318792.1).
Identifiers: ClinVar variation 4872471 (VCV004872471.2).
Genomic context (GRCh38, chr6:44,135,350, plus strand): 5'-CCCCGCCCCTGCTAACCCTGTCTGTTCTCTGTCCCCAGGCTTCGGCGGCAGGAGAGGGAC[C>A]GAGTGGAACAGGAATAGTATGTGGGGCACCAGCCCCCTCATTCCCACTAAACCAGCTTTC-3'
Protein context (NP_060896.1, residues 78-98): ADRLRRQERD[Arg88=]VEQEYVASAM

ClinVar aggregate classification (germline): Likely benign (1 of 4 stars; one submission).

gnomAD v4.1: 781 of 1,613,002 alleles (0.048%); highest among the groups gnomAD compares: African/African-American, 0.94%; 4 homozygotes.

Submission:

CeGaT Center for Human Genetics Tuebingen
Classification: Likely benign. Last evaluated: 2026-04-01. Review status: criteria provided, single submitter. Criteria: CeGaT Center For Human Genetics Tuebingen Variant Classification Criteria Version 2. Collection method: clinical testing. Allele origin: germline. Affected: yes. Observed: 1 variant allele.
Comment: TMEM63B: BP4, BP7, BS1